The following is an entry in ClinVar:

ClinVar aggregate classification (germline): Conflicting classifications of pathogenicity. Review status: criteria provided, conflicting classifications (1 of 4 stars). 4 submissions from 4 submitters: Uncertain significance (3); Likely benign (1). Last evaluated 2026-07-01.

Conditions:
Intellectual disability, autosomal recessive 42 (NEDDSBA). Also called: Neurodevelopmental disorder with dysmorphic features, spasticity, and brain abnormalities; GLYCOSYLPHOSPHATIDYLINOSITOL BIOSYNTHESIS DEFECT 9. Identifiers: Orphanet 88616, MedGen C4014343, MONDO:0014348, OMIM 615802.

Allele frequency attached by ClinVar (database versions not stated): gnomAD exomes 0.00006 and 0.00008; ExAC 0.00007; gnomAD 0.00007; TOPMed 0.00009.
gnomAD v4.1: 103 of 1,606,450 alleles (0.0064%); highest among the groups gnomAD compares: Non-Finnish European, 0.0081%; no homozygotes.

Submissions (4):

CeGaT Center for Human Genetics Tuebingen
Classification: Likely benign. Last evaluated: 2026-07-01. Review status: criteria provided, single submitter. Criteria: CeGaT Center For Human Genetics Tuebingen Variant Classification Criteria Version 2. Collection method: clinical testing. Allele origin: germline. Affected: yes. Observed: 2 variant alleles.
Comment: PGAP1: BP4

Women's Health and Genetics/Laboratory Corporation of America, LabCorp
Classification: Uncertain significance. Last evaluated: 2026-02-09. Review status: criteria provided, single submitter. Criteria: LabCorp Variant Classification Summary - May 2015. Collection method: clinical testing. Allele origin: germline.
Comment: Variant summary: PGAP1 c.2197C>T (p.Pro733Ser) results in a non-conservative amino acid change in the encoded protein sequence. Algorithms developed to predict the effect of missense changes on protein structure and function are either unavailable or do not agree on the potential impact of this missense change. The variant allele was found at a frequency of 7.6e-05 in 250510 control chromosomes. This frequency is not significantly higher than estimated for disease-causing variants in PGAP1, allowing no conclusion about variant significance. To our knowledge, no occurrence of c.2197C>T in individuals affected with PGAP1-related conditions and no experimental evidence demonstrating its impact on protein function have been reported. ClinVar contains an entry for this variant (Variation ID: 809133). Based on the evidence outlined above, the variant was classified as uncertain significance.

GeneDx
Classification: Uncertain significance. Last evaluated: 2025-03-25. Review status: criteria provided, single submitter. Criteria: GeneDx Variant Classification Process June 2021. Collection method: clinical testing. Allele origin: germline. Affected: yes.
Comment: In silico analysis indicates that this missense variant does not alter protein structure/function; Has not been previously published as pathogenic or benign to our knowledge

Labcorp Genetics (formerly Invitae), Labcorp
Classification: Uncertain significance for Intellectual disability, autosomal recessive 42. Last evaluated: 2022-09-13. Review status: criteria provided, single submitter. Criteria: Invitae Variant Classification Sherloc (09022015). Collection method: clinical testing. Allele origin: germline.
Comment: This sequence change replaces proline, which is neutral and non-polar, with serine, which is neutral and polar, at codon 733 of the PGAP1 protein (p.Pro733Ser). This variant is present in population databases (rs753237558, gnomAD 0.02%). This variant has not been reported in the literature in individuals affected with PGAP1-related conditions. ClinVar contains an entry for this variant (Variation ID: 809133). Advanced modeling of protein sequence and biophysical properties (such as structural, functional, and spatial information, amino acid conservation, physicochemical variation, residue mobility, and thermodynamic stability) performed at Invitae indicates that this missense variant is not expected to disrupt PGAP1 protein function. In summary, the available evidence is currently insufficient to determine the role of this variant in disease. Therefore, it has been classified as a Variant of Uncertain Significance.

NM_024989.4(PGAP1):c.2197C>T (p.Pro733Ser)

Gene: PGAP1 (post-GPI attachment to proteins inositol deacylase 1; minus strand). Cytogenetic location: 2q33.1.
Variant type: single nucleotide variant.
Coding change: c.2197C>T on transcript NM_024989.4 (MANE Select); coding-DNA position 2197, C replaced by T.
Protein change: p.Pro733Ser; replaces proline 733 with serine.
Molecular consequence: missense variant.
Genome position (GRCh38, 1-based): chr2:196,845,971, G>A on the plus strand (C>T on the coding strand, the complement: PGAP1 is on the minus strand). VCF-style: chr2-196845971-G-A. GRCh37 (hg19) VCF-style: chr2-197710695-G-A.
Other names: c.1675C>T, p.Pro559Ser (NM_001321099.2); c.1030C>T, p.Pro344Ser (NM_001321100.2); c.2197C>T (NM_024989.3); short protein forms P559S, P733S, P344S.
Identifiers: ClinVar variation 809133 (VCV000809133.47), dbSNP rs753237558, ClinGen allele CA2040691.